The following is an entry in ClinVar:

NM_015346.4(ZFYVE26):c.1184G>T (p.Gly395Val)

Gene: ZFYVE26 (zinc finger FYVE-type containing 26; minus strand). Cytogenetic location: 14q24.1.
Variant type: single nucleotide variant.
Coding change: c.1184G>T on transcript NM_015346.4 (MANE Select); coding-DNA position 1184, G replaced by T.
Protein change: p.Gly395Val; replaces glycine 395 with valine.
Molecular consequence: missense variant.
Genome position (GRCh38, 1-based): chr14:67,805,304, C>A on the plus strand (G>T on the coding strand, the complement: ZFYVE26 is on the minus strand). VCF-style: chr14-67805304-C-A. GRCh37 (hg19) VCF-style: chr14-68272021-C-A.
Other names: short protein forms G395V.
Identifiers: ClinVar variation 188381 (VCV000188381.65), dbSNP rs35512910, ClinGen allele CA334758.

ClinVar aggregate classification (germline): Conflicting classifications of pathogenicity. Review status: criteria provided, conflicting classifications (1 of 4 stars). 9 submissions from 9 submitters: Uncertain significance (1); Benign (3); Likely benign (4). 1 of the submissions does not count toward it. Last evaluated 2026-10-01.

Conditions:
ZFYVE26-related disorder. Also called: ZFYVE26-related condition.
Spastic paraplegia. Identifiers: MedGen C0037772, HP:0001258.
Hereditary spastic paraplegia. Also called: Familial spastic paraparesis. Identifiers: Orphanet 685, MedGen C0037773, MONDO:0019064. Disease mechanism: loss of function.
Hereditary spastic paraplegia 15 (SPG15). Also called: KJELLIN SYNDROME; SPASTIC PARAPLEGIA 15, AUTOSOMAL RECESSIVE; SPASTIC PARAPLEGIA AND RETINAL DEGENERATION. Identifiers: Orphanet 100996, MedGen C1849128, MONDO:0010044, OMIM 270700.

Allele frequency attached by ClinVar (database versions not stated): gnomAD 0.00250 and 0.00267; ESP Exome Variant Server 0.00269; 1000 Genomes Project 30x 0.00297; TOPMed 0.00297; 1000 Genomes Project 0.00319; gnomAD exomes 0.00341 and 0.00343; ExAC 0.00369.
gnomAD v4.1: 5,464 of 1,614,068 alleles (0.34%); highest among the groups gnomAD compares: Middle Eastern, 1.6%; 22 homozygotes.

Submissions (9):

CeGaT Center for Human Genetics Tuebingen
Classification: Likely benign. Last evaluated: 2026-10-01. Review status: criteria provided, single submitter. Criteria: CeGaT Center For Human Genetics Tuebingen Variant Classification Criteria Version 2. Collection method: clinical testing. Allele origin: germline. Affected: yes. Observed: 36 variant alleles.
Comment: ZFYVE26: BP4, BS2

Labcorp Genetics (formerly Invitae), Labcorp
Classification: Benign for Spastic paraplegia. Last evaluated: 2026-01-24. Review status: criteria provided, single submitter. Criteria: Invitae Variant Classification Sherloc (09022015). Collection method: clinical testing. Allele origin: germline.

Blueprint Genetics
Classification: Likely benign. Last evaluated: 2024-11-25. Review status: criteria provided, single submitter. Criteria: ACMG Guidelines, 2015. Collection method: clinical testing. Allele origin: germline.

Mayo Clinic Laboratories, Mayo Clinic
Classification: Benign. Last evaluated: 2021-06-01. Review status: criteria provided, single submitter. Criteria: ACMG Guidelines, 2015. Collection method: clinical testing. Allele origin: germline. Observed: 23 variant alleles.

Genome Diagnostics Laboratory, The Hospital for Sick Children
Classification: Likely benign for Hereditary spastic paraplegia. Last evaluated: 2021-03-29. Review status: criteria provided, single submitter. Criteria: ACMG Guidelines, 2015. Collection method: clinical testing. Allele origin: germline. Affected: yes.

Athena Diagnostics
Classification: Benign. Last evaluated: 2020-11-25. Review status: criteria provided, single submitter. Criteria: Athena Diagnostics criteria. Collection method: clinical testing. Allele origin: unknown.

GeneDx
Classification: Likely benign. Last evaluated: 2018-09-13. Review status: criteria provided, single submitter. Criteria: GeneDx Variant Classification Process June 2021. Collection method: clinical testing. Allele origin: germline. Affected: yes.

Illumina Laboratory Services, Illumina
Classification: Uncertain significance for Hereditary spastic paraplegia 15. Last evaluated: 2018-01-13. Review status: criteria provided, single submitter. Criteria: ICSL Variant Classification Criteria 13 December 2019. Collection method: clinical testing. Allele origin: germline.

PreventionGenetics, part of Exact Sciences
Classification: Benign for ZFYVE26-related condition. Last evaluated: 2022-09-09. Review status: no assertion criteria provided. Collection method: clinical testing. Allele origin: germline. Not counted in ClinVar's aggregate classification.
Comment: This variant is classified as benign based on ACMG/AMP sequence variant interpretation guidelines (Richards et al. 2015 PMID: 25741868, with internal and published modifications).